The following is an entry in ClinVar:

ClinVar aggregate classification (germline): Conflicting classifications of pathogenicity. Review status: criteria provided, conflicting classifications (1 of 4 stars). 3 submissions from 3 submitters: Uncertain significance (2); Likely benign (1). Last evaluated 2025-10-12.

Conditions:
Hereditary cancer-predisposing syndrome. Also called: Tumor predisposition; Hereditary neoplastic syndrome; Hereditary Cancer Syndrome; Neoplastic Syndromes, Hereditary. Identifiers: Orphanet 140162, MedGen C0027672, MeSH D009386, MONDO:0015356.
Hereditary breast ovarian cancer syndrome. Also called: Hereditary breast and ovarian cancer; Breast and ovarian cancer; Hereditary breast and ovarian cancer syndrome; BRCA1- and BRCA2-Associated Hereditary Breast and Ovarian Cancer; Hereditary breast and/or ovarian cancer syndrome; Hereditary breast and ovarian cancer syndrome (HBOC). Identifiers: Orphanet 145, MedGen C0677776, MeSH D061325, MONDO:0003582. Disease mechanism: loss of function.

Allele frequency attached by ClinVar (database versions not stated): gnomAD exomes below 0.00001.
gnomAD v4.1: 2 of 1,612,498 alleles (0.00012%); highest among the groups gnomAD compares: South Asian, 0.0022%; no homozygotes.

Submissions (3):

Labcorp Genetics (formerly Invitae), Labcorp
Classification: Uncertain significance for Hereditary breast ovarian cancer syndrome. Last evaluated: 2025-10-12. Review status: criteria provided, single submitter. Criteria: Invitae Variant Classification Sherloc (09022015). Collection method: clinical testing. Allele origin: germline.
Comment: This sequence change replaces serine, which is neutral and polar, with phenylalanine, which is neutral and non-polar, at codon 2216 of the BRCA2 protein (p.Ser2216Phe). This variant is not present in population databases (gnomAD no frequency). This variant has not been reported in the literature in individuals affected with BRCA2-related conditions. ClinVar contains an entry for this variant (Variation ID: 576881). Invitae Evidence Modeling of protein sequence and biophysical properties (such as structural, functional, and spatial information, amino acid conservation, physicochemical variation, residue mobility, and thermodynamic stability) indicates that this missense variant is not expected to disrupt BRCA2 protein function with a negative predictive value of 95%. In summary, the available evidence is currently insufficient to determine the role of this variant in disease. Therefore, it has been classified as a Variant of Uncertain Significance.

Color Diagnostics, LLC DBA Color Health
Classification: Uncertain significance for Hereditary cancer-predisposing syndrome. Last evaluated: 2023-12-05. Review status: criteria provided, single submitter. Criteria: ACMG Guidelines, 2015. Collection method: clinical testing. Allele origin: germline.
Comment: This missense variant replaces serine with phenylalanine at codon 2216 of the BRCA2 protein. Computational prediction suggests that this variant may not impact protein structure and function (internally defined REVEL score threshold <= 0.5, PMID: 27666373). To our knowledge, functional studies have not been reported for this variant. This variant has not been reported in individuals affected with BRCA2-related disorders in the literature. This variant has not been identified in the general population by the Genome Aggregation Database (gnomAD). The available evidence is insufficient to determine the role of this variant in disease conclusively. Therefore, this variant is classified as a Variant of Uncertain Significance.

University of Washington Department of Laboratory Medicine, University of Washington
Classification: Likely benign for Hereditary cancer-predisposing syndrome. Last evaluated: 2023-03-23. Review status: criteria provided, single submitter. Criteria: Dines et al. (Genet Med. 2020). Collection method: curation. Allele origin: germline.
Comment: Missense variant in a coldspot region where missense variants are very unlikely to be pathogenic (PMID:31911673).

BRCA2 exon 11 coldspot. Reclassification based on statistical prior probability.

NM_000059.4(BRCA2):c.6647C>T (p.Ser2216Phe)

Gene: BRCA2 (BRCA2 DNA repair associated; plus strand). Cytogenetic location: 13q13.1.
Variant type: single nucleotide variant.
Coding change: c.6647C>T on transcript NM_000059.4 (MANE Select); coding-DNA position 6647, C replaced by T.
Protein change: p.Ser2216Phe; replaces serine 2216 with phenylalanine.
Molecular consequence: missense variant.
Genome position (GRCh38, 1-based): chr13:32,341,002, C>T. VCF-style: chr13-32341002-C-T. GRCh37 (hg19) VCF-style: chr13-32915139-C-T.
Other names: short protein forms S2216F.
Identifiers: ClinVar variation 576881 (VCV000576881.16), dbSNP rs1555284777, ClinGen allele CA387790382.